The following is an entry in ClinVar:

ClinVar aggregate classification (germline): Uncertain significance (1 of 4 stars; one submission).

Conditions:
Brugada syndrome. Also called: Sudden unexpected nocturnal death syndrome; Sudden unexplained nocturnal death syndrome; Sudden Unexplained Death Syndrome; Sudden Unexplained Nocturnal Death Syndrome (SUNDS). Identifiers: Orphanet 130, MedGen C1142166, MONDO:0015263.

gnomAD v4.1: 2 of 1,613,972 alleles (0.00012%); highest among the groups gnomAD compares: Non-Finnish European, 0.00017%; no homozygotes.

Submission:

Labcorp Genetics (formerly Invitae), Labcorp
Classification: Uncertain significance for Brugada syndrome. Last evaluated: 2025-01-28. Review status: criteria provided, single submitter. Criteria: Invitae Variant Classification Sherloc (09022015). Collection method: clinical testing. Allele origin: germline.
Comment: This sequence change replaces serine, which is neutral and polar, with alanine, which is neutral and non-polar, at codon 1762 of the SCN10A protein (p.Ser1762Ala). This variant is present in population databases (rs766168053, gnomAD 0.002%). This variant has not been reported in the literature in individuals affected with SCN10A-related conditions. Invitae Evidence Modeling of protein sequence and biophysical properties (such as structural, functional, and spatial information, amino acid conservation, physicochemical variation, residue mobility, and thermodynamic stability) indicates that this missense variant is not expected to disrupt SCN10A protein function with a negative predictive value of 80%. In summary, the available evidence is currently insufficient to determine the role of this variant in disease. Therefore, it has been classified as a Variant of Uncertain Significance.

NM_006514.4(SCN10A):c.5284T>G (p.Ser1762Ala)

Gene: SCN10A (sodium voltage-gated channel alpha subunit 10; minus strand). Cytogenetic location: 3p22.2.
Variant type: single nucleotide variant.
Coding change: c.5284T>G on transcript NM_006514.4 (MANE Select); coding-DNA position 5284, T replaced by G.
Protein change: p.Ser1762Ala; replaces serine 1762 with alanine.
Molecular consequence: missense variant.
Genome position (GRCh38, 1-based): chr3:38,697,936, A>C on the plus strand (T>G on the coding strand, the complement: SCN10A is on the minus strand). VCF-style: chr3-38697936-A-C. GRCh37 (hg19) VCF-style: chr3-38739427-A-C.
Other names: c.5281T>G, p.Ser1761Ala (NM_001293306.2); c.4990T>G, p.Ser1664Ala (NM_001293307.2); short protein forms S1761A, S1664A, S1762A.
Identifiers: ClinVar variation 3667257 (VCV003667257.2).
Genomic context (GRCh38, chr3:38,697,936, plus strand): 5'-GATTGGGTTTTGGGATTCTCAGGGGACCAGAGAGAGTGTCTGCAAAGTCCGAGAGAGCAG[A>C]AAAGGTAATAAACTGAGTGGCCTCTGGGTCAAACTTCTCCCAGGTCTCATAGAACATGTC-3'
Protein context (NP_006505.4, residues 1752-1772): DPEATQFITF[Ser1762Ala]ALSDFADTLS